The following is an entry in ClinVar:

NM_000264.5(PTCH1):c.1716G>A (p.Ala572=)

Gene: PTCH1 (patched 1; minus strand). Cytogenetic location: 9q22.32.
Variant type: single nucleotide variant.
Coding change: c.1716G>A on transcript NM_000264.5 (MANE Select); coding-DNA position 1716, G replaced by A.
Protein change: p.Ala572=; no amino-acid change (alanine 572 retained).
Molecular consequence: synonymous variant. On other transcripts: non-coding transcript variant (1).
Genome position (GRCh38, 1-based): chr9:95,476,046, C>T on the plus strand (G>A on the coding strand, the complement: PTCH1 is on the minus strand). VCF-style: chr9-95476046-C-T. GRCh37 (hg19) VCF-style: chr9-98238328-C-T.
Other names: c.1518G>A, p.Ala506= (NM_001083602.3); c.1713G>A, p.Ala571= (NM_001083603.3); c.1263G>A, p.Ala421= (NM_001083604.3, NM_001083605.3, NM_001083606.3 and 1 more transcripts); c.1560G>A, p.Ala520= (NM_001354918.2); c.1716G>A (NM_000264.4).
Identifiers: ClinVar variation 220688 (VCV000220688.18), dbSNP rs55844310, ClinGen allele CA348248.
Genomic context (GRCh38, chr9:95,476,046, plus strand): 5'-TCAGTGCCCCGTTCAGGATCACCACAGCCTTCATCACCAGAAGCTCACCTGGAGGGAGAA[C>T]GCCCGCAGAGCGGGAATTGGGATTAACGCGGCCATGAAGAAGGCTGTGACATTGCTGATG-3'
Protein context (NP_000255.2, residues 562-582): AALIPIPALR[Ala572=]FSLQAAVVVV

ClinVar aggregate classification (germline): Benign/Likely benign. Review status: criteria provided, multiple submitters, no conflicts (2 of 4 stars). 4 submissions from 4 submitters: Benign (2); Likely benign (2). Last evaluated 2026-02-11.

Conditions:
Hereditary cancer-predisposing syndrome. Also called: Neoplastic Syndromes, Hereditary; Tumor predisposition; Hereditary Cancer Syndrome; Hereditary neoplastic syndrome. Identifiers: Orphanet 140162, MedGen C0027672, MeSH D009386, MONDO:0015356.
Gorlin syndrome. Also called: Nevoid Basal Cell Carcinoma Syndrome; Basal cell nevus syndrome. Identifiers: Orphanet 377, MedGen C0004779, MONDO:0007187.
PTCH1-related disorder. Also called: PTCH1-related disorders; PTCH1-related condition.

Allele frequency attached by ClinVar (database versions not stated): 1000 Genomes Project 30x 0.00031; 1000 Genomes Project 0.00040; TOPMed 0.00003.
gnomAD v4.1: 59 of 1,613,880 alleles (0.0037%); highest among the groups gnomAD compares: East Asian, 0.071%; no homozygotes.

Submissions (4):

PreventionGenetics, part of Exact Sciences
Classification: Likely benign for PTCH1-related condition. Last evaluated: 2026-02-11. Review status: criteria provided, single submitter. Criteria: ACMG Guidelines, 2015. Collection method: clinical testing. Allele origin: germline.
Comment: This variant is classified as likely benign based on ACMG/AMP sequence variant interpretation guidelines (Richards et al. 2015 PMID: 25741868, with internal and published modifications).

Labcorp Genetics (formerly Invitae), Labcorp
Classification: Benign for Gorlin syndrome. Last evaluated: 2025-12-30. Review status: criteria provided, single submitter. Criteria: Invitae Variant Classification Sherloc (09022015). Collection method: clinical testing. Allele origin: germline.

Quest Diagnostics Nichols Institute San Juan Capistrano
Classification: Benign. Last evaluated: 2025-07-15. Review status: criteria provided, single submitter. Criteria: Quest Diagnostics criteria. Collection method: clinical testing. Allele origin: unknown.

Ambry Genetics
Classification: Likely benign for Hereditary cancer-predisposing syndrome. Last evaluated: 2018-11-19. Review status: criteria provided, single submitter. Criteria: Ambry Variant Classification Scheme 2023. Collection method: clinical testing. Allele origin: germline.